The following is an entry in ClinVar:

NC_000003.11:g.(?_164793663)_(164793800_?)del

Gene: SI (sucrase-isomaltase; minus strand). Cytogenetic location: 3q26.1.
Variant type: Deletion.
Identifiers: ClinVar variation 2423557 (VCV002423557.4).

ClinVar aggregate classification (germline): Pathogenic (1 of 4 stars; one submission).

Submission:

Labcorp Genetics (formerly Invitae), Labcorp
Classification: Pathogenic. Last evaluated: 2023-03-23. Review status: criteria provided, single submitter. Criteria: Invitae Variant Classification Sherloc (09022015). Collection method: clinical testing. Allele origin: germline.
Comment: For these reasons, this variant has been classified as Pathogenic. This variant has not been reported in the literature in individuals affected with SI-related conditions. This variant is a gross deletion of the genomic region encompassing exon(s) 2 of the SI gene, which includes the initiator codon. This deletion extends beyond the assayed region for this gene and therefore may encompass additional genes. It is expected to result in an absent or disrupted protein product. Loss-of-function variants in SI are known to be pathogenic (PMID: 16329100, 23103650, 25452324).

Literature cited by the submitters: PubMed 16329100; PubMed 23103650; PubMed 25452324.